The following is an entry in ClinVar:

ClinVar aggregate classification (germline): Uncertain significance (1 of 4 stars; one submission).

Allele frequency attached by ClinVar (database versions not stated): ExAC 0.00001; gnomAD exomes below 0.00001; TOPMed 0.00001.
gnomAD v4.1: 6 of 1,613,500 alleles (0.00037%); highest among the groups gnomAD compares: Admixed American, 0.01%; no homozygotes.

Submission:

Labcorp Genetics (formerly Invitae), Labcorp
Classification: Uncertain significance. Last evaluated: 2022-07-29. Review status: criteria provided, single submitter. Criteria: Invitae Variant Classification Sherloc (09022015). Collection method: clinical testing. Allele origin: germline.
Comment: This variant is present in population databases (rs766239750, gnomAD 0.02%). In summary, the available evidence is currently insufficient to determine the role of this variant in disease. Therefore, it has been classified as a Variant of Uncertain Significance. Algorithms developed to predict the effect of missense changes on protein structure and function are either unavailable or do not agree on the potential impact of this missense change (SIFT: "Deleterious"; PolyPhen-2: "Probably Damaging"; Align-GVGD: "Class C0"). This variant has not been reported in the literature in individuals affected with C2CD3-related conditions. This sequence change replaces leucine, which is neutral and non-polar, with proline, which is neutral and non-polar, at codon 446 of the C2CD3 protein (p.Leu446Pro).

NM_001286577.2(C2CD3):c.1337T>C (p.Leu446Pro)

Gene: C2CD3 (C2 domain containing 3 centriole elongation regulator; minus strand). Cytogenetic location: 11q13.4.
Variant type: single nucleotide variant.
Coding change: c.1337T>C on transcript NM_001286577.2 (MANE Select); coding-DNA position 1337, T replaced by C.
Protein change: p.Leu446Pro; replaces leucine 446 with proline.
Molecular consequence: missense variant.
Genome position (GRCh38, 1-based): chr11:74,123,016, A>G on the plus strand (T>C on the coding strand, the complement: C2CD3 is on the minus strand). VCF-style: chr11-74123016-A-G. GRCh37 (hg19) VCF-style: chr11-73834061-A-G.
Other names: c.1337T>C, p.Leu446Pro (NM_015531.6); short protein forms L446P.
Identifiers: ClinVar variation 2081092 (VCV002081092.4), dbSNP rs766239750, ClinGen allele CA6182981.